The following is an entry in ClinVar:

ClinVar aggregate classification (germline): Conflicting classifications of pathogenicity. Review status: criteria provided, conflicting classifications (1 of 4 stars). 6 submissions from 6 submitters: Uncertain significance (3); Likely benign (2). 1 of the submissions does not count toward it. Last evaluated 2026-01-30.

Conditions:
ARHGEF1-related disorder. Also called: ARHGEF1-related condition.

Allele frequency attached by ClinVar (database versions not stated): 1000 Genomes Project 0.00020; 1000 Genomes Project 30x 0.00031; ESP Exome Variant Server 0.00085; TOPMed 0.00100; ExAC 0.00368.
gnomAD v4.1: 2,472 of 1,487,636 alleles (0.17%); highest among the groups gnomAD compares: Non-Finnish European, 0.18%; 3 homozygotes.

Submissions (6):

Women's Health and Genetics/Laboratory Corporation of America, LabCorp
Classification: Likely benign. Last evaluated: 2026-01-30. Review status: criteria provided, single submitter. Criteria: LabCorp Variant Classification Summary - May 2015. Collection method: clinical testing. Allele origin: germline.
Comment: Variant summary: ARHGEF1 c.1139G>A (p.Ser380Asn) results in a conservative amino acid change in the encoded protein sequence. Algorithms developed to predict the effect of missense changes on protein structure and function all suggest that this variant is likely to be tolerated. The variant allele was found at a frequency of 0.0014 in 149216 control chromosomes, predominantly at a frequency of 0.0036 within the Non-Finnish European subpopulation in the gnomAD database. The observed variant frequency within Non-Finnish European control individuals in the gnomAD database exceeds the estimated maximal expected allele frequency for disease-causing variants in ARHGEF1. To our knowledge, no occurrence of c.1139G>A in individuals affected with ARHGEF1-related conditions and no experimental evidence demonstrating its impact on protein function have been reported. ClinVar contains an entry for this variant (Variation ID: 1298768). Based on the evidence outlined above, the variant was classified as likely benign.

Labcorp Genetics (formerly Invitae), Labcorp
Classification: Likely benign. Last evaluated: 2026-01-29. Review status: criteria provided, single submitter. Criteria: Invitae Variant Classification Sherloc (09022015). Collection method: clinical testing. Allele origin: germline.

Ambry Genetics
Classification: Uncertain significance. Last evaluated: 2025-08-11. Review status: criteria provided, single submitter. Criteria: Ambry Variant Classification Scheme 2023. Collection method: clinical testing. Allele origin: germline.

Blueprint Genetics
Classification: Uncertain significance. Last evaluated: 2024-11-23. Review status: criteria provided, single submitter. Criteria: ACMG Guidelines, 2015. Collection method: clinical testing. Allele origin: germline.

CeGaT Center for Human Genetics Tuebingen
Classification: Uncertain significance. Last evaluated: 2021-07-01. Review status: criteria provided, single submitter. Criteria: CeGaT Center For Human Genetics Tuebingen Variant Classification Criteria Version 2. Collection method: clinical testing. Allele origin: germline. Affected: yes. Observed: 1 variant allele.

PreventionGenetics, part of Exact Sciences
Classification: Likely benign for ARHGEF1-related condition. Last evaluated: 2022-12-01. Review status: no assertion criteria provided. Collection method: clinical testing. Allele origin: germline. Not counted in ClinVar's aggregate classification.
Comment: This variant is classified as likely benign based on ACMG/AMP sequence variant interpretation guidelines (Richards et al. 2015 PMID: 25741868, with internal and published modifications).

NM_004706.4(ARHGEF1):c.1094G>A (p.Ser365Asn)

Gene: ARHGEF1 (Rho guanine nucleotide exchange factor 1; plus strand). Cytogenetic location: 19q13.2.
Variant type: single nucleotide variant.
Coding change: c.1094G>A on transcript NM_004706.4 (MANE Select); coding-DNA position 1094, G replaced by A.
Protein change: p.Ser365Asn; replaces serine 365 with asparagine.
Molecular consequence: missense variant.
Genome position (GRCh38, 1-based): chr19:41,896,455, G>A. VCF-style: chr19-41896455-G-A. GRCh37 (hg19) VCF-style: chr19-42400528-G-A.
Other names: c.995G>A, p.Ser332Asn (NM_198977.2); c.1139G>A, p.Ser380Asn (NM_199002.2); c.1139G>A (NM_199002.1); short protein forms S332N, S365N, S380N.
Identifiers: ClinVar variation 1298768 (VCV001298768.44), dbSNP rs199751095, ClinGen allele CA9466187.